The following is an entry in ClinVar:

ClinVar aggregate classification (germline): Likely benign (1 of 4 stars; one submission).

Allele frequency attached by ClinVar (database versions not stated): gnomAD 0.00001; TOPMed 0.00001.
gnomAD v4.1: 5 of 1,468,388 alleles (0.00034%); highest among the groups gnomAD compares: African/African-American, 0.0043%; no homozygotes.

Submission:

GeneDx
Classification: Likely benign. Last evaluated: 2018-05-14. Review status: criteria provided, single submitter. Criteria: GeneDx Variant Classification (06012015). Collection method: clinical testing. Allele origin: germline. Affected: yes.
Comment: This variant is considered likely benign or benign based on one or more of the following criteria: it is a conservative change, it occurs at a poorly conserved position in the protein, it is predicted to be benign by multiple in silico algorithms, and/or has population frequency not consistent with disease.

NM_020822.3(KCNT1):c.-40C>T

Gene: KCNT1 (potassium sodium-activated channel subfamily T member 1; plus strand). Cytogenetic location: 9q34.3.
Variant type: single nucleotide variant.
Coding change: c.-40C>T on transcript NM_020822.3 (MANE Select); 40 bases upstream of the start codon, C replaced by T.
Molecular consequence: 5 prime UTR variant.
Genome position (GRCh38, 1-based): chr9:135,702,219, C>T. VCF-style: chr9-135702219-C-T. GRCh37 (hg19) VCF-style: chr9-138594065-C-T.
Other names: c.-40C>T (NM_001272003.2).
Identifiers: ClinVar variation 668309 (VCV000668309.1), dbSNP rs908377945, ClinGen allele CA860970808.